The following is an entry in ClinVar:

NM_005090.4(JMJD7-PLA2G4B):c.2465C>T (p.Thr822Ile)

Genes: JMJD7-PLA2G4B (JMJD7-PLA2G4B readthrough; plus strand), PLA2G4B (phospholipase A2 group IVB; plus strand). Cytogenetic location: 15q15.1.
Variant type: single nucleotide variant.
Coding change: c.2465C>T on transcript NM_005090.4; coding-DNA position 2465, C replaced by T.
Protein change: p.Thr822Ile; replaces threonine 822 with isoleucine.
Molecular consequence: missense variant.
Genome position (GRCh38, 1-based): chr15:41,846,374, C>T. VCF-style: chr15-41846374-C-T. GRCh37 (hg19) VCF-style: chr15-42138572-C-T.
Other names: c.1772C>T, p.Thr591Ile (NM_001114633.2); c.2465C>T, p.Thr822Ile (NM_001198588.2); short protein forms T591I, T822I.
Identifiers: ClinVar variation 3050013 (VCV003050013.2), dbSNP rs36126315, ClinGen allele CA7500252.

ClinVar aggregate classification (germline): Benign (0 of 4 stars; one submission).

Conditions:
JMJD7-PLA2G4B-related disorder. Also called: JMJD7-PLA2G4B-related condition.

Allele frequency attached by ClinVar (database versions not stated): gnomAD exomes 0.00121; ExAC 0.00413; gnomAD 0.01284; TOPMed 0.01446; ESP Exome Variant Server 0.01515; 1000 Genomes Project 0.01518; 1000 Genomes Project 30x 0.01655.
gnomAD v4.1: 3,788 of 1,604,848 alleles (0.24%); highest among the groups gnomAD compares: African/African-American, 4.4%; 79 homozygotes.

Submission:

PreventionGenetics, part of Exact Sciences
Classification: Benign for JMJD7-PLA2G4B-related condition. Last evaluated: 2019-02-22. Review status: no assertion criteria provided. Collection method: clinical testing. Allele origin: germline.
Comment: This variant is classified as benign based on ACMG/AMP sequence variant interpretation guidelines (Richards et al. 2015 PMID: 25741868, with internal and published modifications).